The following is an entry in ClinVar:

NM_002103.5(GYS1):c.1021G>A (p.Val341Ile)

Gene: GYS1 (glycogen synthase 1; minus strand). Cytogenetic location: 19q13.33.
Variant type: single nucleotide variant.
Coding change: c.1021G>A on transcript NM_002103.5 (MANE Select); coding-DNA position 1021, G replaced by A.
Protein change: p.Val341Ile; replaces valine 341 with isoleucine.
Molecular consequence: missense variant. On other transcripts: non-coding transcript variant (1).
Genome position (GRCh38, 1-based): chr19:48,982,296, C>T on the plus strand (G>A on the coding strand, the complement: GYS1 is on the minus strand). VCF-style: chr19-48982296-C-T. GRCh37 (hg19) VCF-style: chr19-49485553-C-T.
Other names: c.829G>A, p.Val277Ile (NM_001161587.2); short protein forms V341I, V277I.
Identifiers: ClinVar variation 329819 (VCV000329819.11), dbSNP rs751121252, ClinGen allele CA9563135.

ClinVar aggregate classification (germline): Uncertain significance. Review status: criteria provided, multiple submitters, no conflicts (2 of 4 stars). 2 submissions from 2 submitters: Uncertain significance (2). Last evaluated 2022-07-05.

Conditions:
Glycogen storage disease due to muscle and heart glycogen synthase deficiency. Also called: GSD 0b; MUSCLE GLYCOGEN SYNTHASE DEFICIENCY. Identifiers: Orphanet 137625, MedGen C1969054, MONDO:0012693, OMIM 611556.

Allele frequency attached by ClinVar (database versions not stated): ExAC 0.00001; gnomAD 0.00001; gnomAD exomes 0.00001 and 0.00002; TOPMed 0.00002.

Submissions (2):

Labcorp Genetics (formerly Invitae), Labcorp
Classification: Uncertain significance for Glycogen storage disease due to muscle and heart glycogen synthase deficiency. Last evaluated: 2022-07-05. Review status: criteria provided, single submitter. Criteria: Invitae Variant Classification Sherloc (09022015). Collection method: clinical testing. Allele origin: germline.
Comment: This sequence change replaces valine, which is neutral and non-polar, with isoleucine, which is neutral and non-polar, at codon 341 of the GYS1 protein (p.Val341Ile). This variant is present in population databases (rs751121252, gnomAD 0.006%). This variant has not been reported in the literature in individuals affected with GYS1-related conditions. ClinVar contains an entry for this variant (Variation ID: 329819). Algorithms developed to predict the effect of missense changes on protein structure and function output the following: SIFT: "Tolerated"; PolyPhen-2: "Benign"; Align-GVGD: "Class C0". The isoleucine amino acid residue is found in multiple mammalian species, which suggests that this missense change does not adversely affect protein function. In summary, the available evidence is currently insufficient to determine the role of this variant in disease. Therefore, it has been classified as a Variant of Uncertain Significance.

Illumina Laboratory Services, Illumina
Classification: Uncertain significance for Glycogen storage disease due to muscle and heart glycogen synthase deficiency. Last evaluated: 2018-01-13. Review status: criteria provided, single submitter. Criteria: ICSL Variant Classification Criteria 13 December 2019. Collection method: clinical testing. Allele origin: germline.